The following is an entry in ClinVar:

ClinVar aggregate classification (germline): Conflicting classifications of pathogenicity. Review status: criteria provided, conflicting classifications (1 of 4 stars). 3 submissions from 3 submitters: Uncertain significance (2); Likely benign (1). Last evaluated 2023-12-05.

Conditions:
Hereditary cancer-predisposing syndrome. Also called: Neoplastic Syndromes, Hereditary; Tumor predisposition; Hereditary neoplastic syndrome; Hereditary Cancer Syndrome. Identifiers: Orphanet 140162, MedGen C0027672, MeSH D009386, MONDO:0015356.
Hereditary breast ovarian cancer syndrome. Also called: Hereditary breast and ovarian cancer syndrome; Hereditary breast and ovarian cancer; Hereditary breast and ovarian cancer syndrome (HBOC); Breast and ovarian cancer; Hereditary breast and/or ovarian cancer syndrome; BRCA1- and BRCA2-Associated Hereditary Breast and Ovarian Cancer. Identifiers: Orphanet 145, MedGen C0677776, MeSH D061325, MONDO:0003582. Disease mechanism: loss of function.

Submissions (3):

Color Diagnostics, LLC DBA Color Health
Classification: Uncertain significance for Hereditary cancer-predisposing syndrome. Last evaluated: 2023-12-05. Review status: criteria provided, single submitter. Criteria: ACMG Guidelines, 2015. Collection method: clinical testing. Allele origin: germline.
Comment: This missense variant replaces proline with alanine at codon 453 of the BRCA2 protein. Computational prediction suggests that this variant may not impact protein structure and function (internally defined REVEL score threshold <= 0.5, PMID: 27666373). To our knowledge, functional studies have not been reported for this variant. This variant has not been reported in individuals affected with BRCA2-related disorders in the literature. This variant has not been identified in the general population by the Genome Aggregation Database (gnomAD). The available evidence is insufficient to determine the role of this variant in disease conclusively. Therefore, this variant is classified as a Variant of Uncertain Significance.

University of Washington Department of Laboratory Medicine, University of Washington
Classification: Likely benign for Hereditary cancer-predisposing syndrome. Last evaluated: 2023-03-23. Review status: criteria provided, single submitter. Criteria: Dines et al. (Genet Med. 2020). Collection method: curation. Allele origin: germline.
Comment: Missense variant in a coldspot region where missense variants are very unlikely to be pathogenic (PMID:31911673).

BRCA2 exon 10 coldspot. Reclassification based on statistical prior probability.

Labcorp Genetics (formerly Invitae), Labcorp
Classification: Uncertain significance for Hereditary breast ovarian cancer syndrome. Last evaluated: 2021-03-13. Review status: criteria provided, single submitter. Criteria: Invitae Variant Classification Sherloc (09022015). Collection method: clinical testing. Allele origin: germline.
Comment: This sequence change replaces proline with alanine at codon 453 of the BRCA2 protein (p.Pro453Ala). The proline residue is weakly conserved and there is a small physicochemical difference between proline and alanine. In summary, the available evidence is currently insufficient to determine the role of this variant in disease. Therefore, it has been classified as a Variant of Uncertain Significance. Algorithms developed to predict the effect of missense changes on protein structure and function (SIFT, PolyPhen-2, Align-GVGD) all suggest that this variant is likely to be tolerated, but these predictions have not been confirmed by published functional studies and their clinical significance is uncertain. This variant has not been reported in the literature in individuals with BRCA2-related conditions. ClinVar contains an entry for this variant (Variation ID: 629359). This variant is not present in population databases (ExAC no frequency).

NM_000059.4(BRCA2):c.1357C>G (p.Pro453Ala)

Gene: BRCA2 (BRCA2 DNA repair associated; plus strand). Cytogenetic location: 13q13.1.
Variant type: single nucleotide variant.
Coding change: c.1357C>G on transcript NM_000059.4 (MANE Select); coding-DNA position 1357, C replaced by G.
Protein change: p.Pro453Ala; replaces proline 453 with alanine.
Molecular consequence: missense variant.
Genome position (GRCh38, 1-based): chr13:32,332,835, C>G. VCF-style: chr13-32332835-C-G. GRCh37 (hg19) VCF-style: chr13-32906972-C-G.
Other names: short protein forms P453A.
Identifiers: ClinVar variation 629359 (VCV000629359.15), dbSNP rs1566223373, ClinGen allele CA387762810.